The following is an entry in ClinVar:

NM_002095.6(GTF2E2):c.533C>T (p.Ser178Phe)

Gene: GTF2E2 (general transcription factor IIE subunit 2; minus strand). Cytogenetic location: 8p12.
Variant type: single nucleotide variant.
Coding change: c.533C>T on transcript NM_002095.6 (MANE Select); coding-DNA position 533, C replaced by T.
Protein change: p.Ser178Phe; replaces serine 178 with phenylalanine.
Molecular consequence: missense variant.
Genome position (GRCh38, 1-based): chr8:30,612,315, G>A on the plus strand (C>T on the coding strand, the complement: GTF2E2 is on the minus strand). VCF-style: chr8-30612315-G-A. GRCh37 (hg19) VCF-style: chr8-30469832-G-A.
Other names: c.533C>T, p.Ser178Phe (NM_001348353.1); short protein forms S178F.
Identifiers: ClinVar variation 1401704 (VCV001401704.6), dbSNP rs1563487218, ClinGen allele CA370879029.

ClinVar aggregate classification (germline): Uncertain significance (1 of 4 stars; one submission).

Allele frequency attached by ClinVar (database versions not stated): gnomAD exomes below 0.00001; gnomAD 0.00001.
gnomAD v4.1: 7 of 1,606,272 alleles (0.00044%); highest among the groups gnomAD compares: Non-Finnish European, 0.0006%; no homozygotes.

Submission:

Labcorp Genetics (formerly Invitae), Labcorp
Classification: Uncertain significance. Last evaluated: 2022-03-13. Review status: criteria provided, single submitter. Criteria: Invitae Variant Classification Sherloc (09022015). Collection method: clinical testing. Allele origin: germline.
Comment: In summary, the available evidence is currently insufficient to determine the role of this variant in disease. Therefore, it has been classified as a Variant of Uncertain Significance. Algorithms developed to predict the effect of missense changes on protein structure and function (SIFT, PolyPhen-2, Align-GVGD) all suggest that this variant is likely to be tolerated. This variant has not been reported in the literature in individuals affected with GTF2E2-related conditions. This variant is not present in population databases (gnomAD no frequency). This sequence change replaces serine, which is neutral and polar, with phenylalanine, which is neutral and non-polar, at codon 178 of the GTF2E2 protein (p.Ser178Phe).